The following is an entry in ClinVar:

ClinVar aggregate classification (germline): Uncertain significance. Review status: criteria provided, multiple submitters, no conflicts (2 of 4 stars). 2 submissions from 2 submitters: Uncertain significance (2). Last evaluated 2024-02-24.

Allele frequency attached by ClinVar (database versions not stated): ExAC 0.00001; gnomAD exomes 0.00001; gnomAD 0.00003; TOPMed 0.00003.
gnomAD v4.1: 29 of 1,613,984 alleles (0.0018%); highest among the groups gnomAD compares: Middle Eastern, 0.033%; no homozygotes.

Submissions (2):

Labcorp Genetics (formerly Invitae), Labcorp
Classification: Uncertain significance. Last evaluated: 2024-02-24. Review status: criteria provided, single submitter. Criteria: Invitae Variant Classification Sherloc (09022015). Collection method: clinical testing. Allele origin: germline.
Comment: This sequence change replaces alanine, which is neutral and non-polar, with valine, which is neutral and non-polar, at codon 1026 of the LIFR protein (p.Ala1026Val). This variant is present in population databases (rs765596913, gnomAD 0.003%). This variant has not been reported in the literature in individuals affected with LIFR-related conditions. ClinVar contains an entry for this variant (Variation ID: 2149151). Algorithms developed to predict the effect of missense changes on protein structure and function output the following: SIFT: "Not Available"; PolyPhen-2: "Possibly Damaging"; Align-GVGD: "Not Available". The valine amino acid residue is found in multiple mammalian species, which suggests that this missense change does not adversely affect protein function. In summary, the available evidence is currently insufficient to determine the role of this variant in disease. Therefore, it has been classified as a Variant of Uncertain Significance.

CeGaT Center for Human Genetics Tuebingen
Classification: Uncertain significance. Last evaluated: 2022-10-01. Review status: criteria provided, single submitter. Criteria: CeGaT Center For Human Genetics Tuebingen Variant Classification Criteria Version 2. Collection method: clinical testing. Allele origin: germline. Affected: yes. Observed: 1 variant allele.
Comment: LIFR: PM2, BP4

NM_001127671.2(LIFR):c.3077C>T (p.Ala1026Val)

Gene: LIFR (LIF receptor subunit alpha; minus strand). Cytogenetic location: 5p13.1.
Variant type: single nucleotide variant.
Coding change: c.3077C>T on transcript NM_001127671.2 (MANE Select); coding-DNA position 3077, C replaced by T.
Protein change: p.Ala1026Val; replaces alanine 1026 with valine.
Molecular consequence: missense variant.
Genome position (GRCh38, 1-based): chr5:38,481,812, G>A on the plus strand (C>T on the coding strand, the complement: LIFR is on the minus strand). VCF-style: chr5-38481812-G-A. GRCh37 (hg19) VCF-style: chr5-38481914-G-A.
Other names: c.3077C>T, p.Ala1026Val (NM_001364297.2, NM_002310.6); c.3044C>T, p.Ala1015Val (NM_001364298.2); short protein forms A1015V, A1026V.
Identifiers: ClinVar variation 2149151 (VCV002149151.27), dbSNP rs765596913, ClinGen allele CA3242512.